The following is an entry in ClinVar:

NM_014365.3(HSPB8):c.212G>A (p.Arg71Gln)

Gene: HSPB8 (heat shock protein family B (small) member 8; plus strand). Cytogenetic location: 12q24.23.
Variant type: single nucleotide variant.
Coding change: c.212G>A on transcript NM_014365.3 (MANE Select); coding-DNA position 212, G replaced by A.
Protein change: p.Arg71Gln; replaces arginine 71 with glutamine.
Molecular consequence: missense variant.
Genome position (GRCh38, 1-based): chr12:119,179,524, G>A. VCF-style: chr12-119179524-G-A. GRCh37 (hg19) VCF-style: chr12-119617329-G-A.
Other names: short protein forms R71Q.
Identifiers: ClinVar variation 1388452 (VCV001388452.6), dbSNP rs1312255584, ClinGen allele CA386525413.

ClinVar aggregate classification (germline): Uncertain significance (1 of 4 stars; one submission).

Conditions:
Charcot-Marie-Tooth disease axonal type 2L. Also called: Charcot-Marie-Tooth Neuropathy Type 2L; CHARCOT-MARIE-TOOTH DISEASE, AXONAL, AUTOSOMAL DOMINANT, TYPE 2L; CHARCOT-MARIE-TOOTH NEUROPATHY, AXONAL, TYPE 2L. Identifiers: Orphanet 99945, MedGen C1837552, MONDO:0012096, OMIM 608673.

Allele frequency attached by ClinVar (database versions not stated): TOPMed below 0.00001; gnomAD 0.00001; gnomAD exomes 0.00001.
gnomAD v4.1: 16 of 1,613,674 alleles (0.00099%); highest among the groups gnomAD compares: South Asian, 0.0088%; no homozygotes.

Submission:

Labcorp Genetics (formerly Invitae), Labcorp
Classification: Uncertain significance for Charcot-Marie-Tooth disease axonal type 2L. Last evaluated: 2023-04-09. Review status: criteria provided, single submitter. Criteria: Invitae Variant Classification Sherloc (09022015). Collection method: clinical testing. Allele origin: germline.
Comment: In summary, the available evidence is currently insufficient to determine the role of this variant in disease. Therefore, it has been classified as a Variant of Uncertain Significance. An algorithm developed to predict the effect of missense changes on protein structure and function (PolyPhen-2) suggests that this variant is likely to be tolerated. ClinVar contains an entry for this variant (Variation ID: 1388452). This variant has not been reported in the literature in individuals affected with HSPB8-related conditions. This variant is not present in population databases (gnomAD no frequency). This sequence change replaces arginine, which is basic and polar, with glutamine, which is neutral and polar, at codon 71 of the HSPB8 protein (p.Arg71Gln).